The following is an entry in ClinVar:

ClinVar aggregate classification (germline): Benign/Likely benign. Review status: criteria provided, multiple submitters, no conflicts (2 of 4 stars). 6 submissions from 6 submitters: Benign (2); Likely benign (4). Last evaluated 2025-12-08.

Conditions:
Tuberous sclerosis 2 (TSC2). Identifiers: Orphanet 805, MedGen C1860707, MONDO:0013199, OMIM 613254.
Tuberous sclerosis syndrome (TSC). Also called: Tuberous Sclerosis Complex; Tuberous sclerosis. Identifiers: Orphanet 805, MedGen C0041341, MONDO:0001734.
Hereditary cancer-predisposing syndrome. Also called: Hereditary Cancer Syndrome; Neoplastic Syndromes, Hereditary; Hereditary neoplastic syndrome; Tumor predisposition. Identifiers: Orphanet 140162, MedGen C0027672, MeSH D009386, MONDO:0015356.

Allele frequency attached by ClinVar (database versions not stated): gnomAD 0.00002; TOPMed 0.00002.
gnomAD v4.1: 6 of 1,613,842 alleles (0.00037%); highest among the groups gnomAD compares: African/African-American, 0.008%; no homozygotes.

Submissions (6):

Labcorp Genetics (formerly Invitae), Labcorp
Classification: Likely benign for Tuberous sclerosis 2. Last evaluated: 2025-12-08. Review status: criteria provided, single submitter. Criteria: Invitae Variant Classification Sherloc (09022015). Collection method: clinical testing. Allele origin: germline.

Myriad Genetics, Inc.
Classification: Benign for Tuberous sclerosis 2. Last evaluated: 2025-05-14. Review status: criteria provided, single submitter. Criteria: Myriad Autosomal Dominant, Autosomal Recessive and X-Linked Classification Criteria (2023). Collection method: clinical testing. Allele origin: unknown.
Comment: This variant is considered benign. This variant is a silent/synonymous amino acid change and it is not expected to impact splicing.

All of Us Research Program, National Institutes of Health
Classification: Likely benign for Tuberous sclerosis syndrome. Last evaluated: 2023-11-28. Review status: criteria provided, single submitter. Criteria: ACMG Guidelines, 2015. Collection method: clinical testing. Allele origin: germline. Inheritance: Autosomal dominant inheritance. Observed: 3 variant alleles, 3 heterozygotes.
Comment: This study involves interpretation of variants in research participants for the purpose of population health screening. Participant phenotype was not available at the time of variant classification. Additional details can be found in publication PMID: 35346344, PMCID: PMC8962531

Color Diagnostics, LLC DBA Color Health
Classification: Likely benign for Tuberous sclerosis syndrome. Last evaluated: 2023-05-10. Review status: criteria provided, single submitter. Criteria: ACMG Guidelines, 2015. Collection method: clinical testing. Allele origin: germline.

Genome-Nilou Lab
Classification: Benign for Tuberous sclerosis 2. Last evaluated: 2021-11-07. Review status: criteria provided, single submitter. Criteria: ACMG Guidelines, 2015. Collection method: clinical testing. Allele origin: germline. Affected: no.

Ambry Genetics
Classification: Likely benign for Hereditary cancer-predisposing syndrome. Last evaluated: 2019-11-20. Review status: criteria provided, single submitter. Criteria: Ambry Variant Classification Scheme 2023. Collection method: clinical testing. Allele origin: germline.

NM_000548.5(TSC2):c.1458C>T (p.Asn486=)

Gene: TSC2 (TSC complex subunit 2; plus strand). Cytogenetic location: 16p13.3.
Variant type: single nucleotide variant.
Coding change: c.1458C>T on transcript NM_000548.5 (MANE Select); coding-DNA position 1458, C replaced by T.
Protein change: p.Asn486=; no amino-acid change (asparagine 486 retained).
Molecular consequence: synonymous variant.
Genome position (GRCh38, 1-based): chr16:2,064,286, C>T. VCF-style: chr16-2064286-C-T. GRCh37 (hg19) VCF-style: chr16-2114287-C-T.
Other names: c.1458C>T, p.Asn486= (NM_001077183.3, NM_001114382.3, NM_001363528.2 and 3 more transcripts); c.1347C>T, p.Asn449= (NM_001318827.2); c.1311C>T, p.Asn437= (NM_001318829.2); c.858C>T, p.Asn286= (NM_001318831.2); c.1491C>T, p.Asn497= (NM_001318832.2).
Identifiers: ClinVar variation 819267 (VCV000819267.17), dbSNP rs200532154, ClinGen allele CA030652.